The following is an entry in ClinVar:

ClinVar aggregate classification (germline): Pathogenic (1 of 4 stars; one submission).

Conditions:
Hereditary cancer-predisposing syndrome. Also called: Hereditary Cancer Syndrome; Neoplastic Syndromes, Hereditary; Hereditary neoplastic syndrome; Tumor predisposition. Identifiers: Orphanet 140162, MedGen C0027672, MeSH D009386, MONDO:0015356.

Submission:

Ambry Genetics
Classification: Pathogenic for Hereditary cancer-predisposing syndrome. Last evaluated: 2015-12-23. Review status: criteria provided, single submitter. Criteria: Ambry Variant Classification Scheme 2023. Collection method: clinical testing. Allele origin: germline.
Comment: The c.734+1G>C intronic pathogenic mutation results from a G to C substitution one nucleotide after coding exon 5 of the STK11 gene. Though this exact alteration has not been reported in the literature to our knowledge, a different alteration at the same location, c.734+1G>A (designated as IVS5+1G>A) was identified in a child diagnosed with JPS who had a history of hamartomatous polyps and perioral pigmentation (Olschwang S, J. Med. Genet. 2001 Jun; 38(6):356-60). This nucleotide position is highly conserved in available vertebrate species. Using the BDGP and ESEfinder splice site prediction tools, this alteration is predicted to abolish the native splice donor site; however, direct experimental evidence is unavailable. In addition to the clinical data presented in the literature, since alterations that disrupt the canonical splice donor site are typically deleterious in nature, this alteration is interpreted as a disease-causing mutation (ACMG Recommendations for Standards for Interpretation and Reporting of Sequence Variations. Revision 2007. Genet Med. 2008;10:294).

Literature cited by the submitters: PubMed 11389158.

NM_000455.5(STK11):c.734+1G>C

Gene: STK11 (serine/threonine kinase 11; plus strand). Cytogenetic location: 19p13.3.
Variant type: single nucleotide variant.
Coding change: c.734+1G>C on transcript NM_000455.5 (MANE Select); the canonical splice donor site of the intron after coding-DNA position 734, G replaced by C.
Molecular consequence: splice donor variant.
Genome position (GRCh38, 1-based): chr19:1,220,718, G>C. VCF-style: chr19-1220718-G-C. GRCh37 (hg19) VCF-style: chr19-1220717-G-C.
Other names: c.734+1G>C (NM_001407255.1).
Identifiers: ClinVar variation 428792 (VCV000428792.5), dbSNP rs587782018, ClinGen allele CA402950015.